The following is an entry in ClinVar:

NM_007294.4(BRCA1):c.5282T>A (p.Phe1761Tyr)

Gene: BRCA1 (BRCA1 DNA repair associated; minus strand). Cytogenetic location: 17q21.31.
Variant type: single nucleotide variant.
Coding change: c.5282T>A on transcript NM_007294.4 (MANE Select); coding-DNA position 5282, T replaced by A.
Protein change: p.Phe1761Tyr; replaces phenylalanine 1761 with tyrosine.
Molecular consequence: missense variant. On other transcripts: non-coding transcript variant (1).
Genome position (GRCh38, 1-based): chr17:43,051,113, A>T on the plus strand (T>A on the coding strand, the complement: BRCA1 is on the minus strand). VCF-style: chr17-43051113-A-T. GRCh37 (hg19) VCF-style: chr17-41203130-A-T.
Other names: c.5069T>A, p.Phe1690Tyr (NM_001407571.1, NM_001407902.1, NM_001407904.1 and 12 more transcripts); c.5348T>A, p.Phe1783Tyr (NM_001407581.1, NM_001407582.1); c.5345T>A, p.Phe1782Tyr (NM_001407583.1, NM_001407585.1, NM_001407587.1 and 1 more transcripts); c.5342T>A, p.Phe1781Tyr (NM_001407590.1, NM_001407591.1); c.5282T>A, p.Phe1761Tyr (NM_001407593.1, NM_001407594.1, NM_001407596.1 and 6 more transcripts); c.5279T>A, p.Phe1760Tyr (NM_001407610.1, NM_001407611.1, NM_001407612.1 and 17 more transcripts); c.5276T>A, p.Phe1759Tyr (NM_001407629.1, NM_001407630.1, NM_001407631.1 and 14 more transcripts); c.5222T>A, p.Phe1741Tyr (NM_001407649.1); and 72 more; short protein forms F1761Y, F1714Y, F657Y, F1782Y, F1465Y, F1592Y, F1633Y, F1673Y.
Identifiers: ClinVar variation 867342 (VCV000867342.3), dbSNP rs80356905, ClinGen allele CA10590981.

Conditions:
Breast-ovarian cancer, familial, susceptibility to, 1 (BROVCA1). Also called: BRCA1 Hereditary Breast and Ovarian Cancer; OVARIAN CANCER, SUSCEPTIBILITY TO. Identifiers: Orphanet 145, MedGen C2676676, MONDO:0011450, OMIM 604370. Disease mechanism: loss of function.

Submission:

Brotman Baty Institute, University of Washington
No classification provided (evidence only). Condition: Breast-ovarian cancer, familial 1. Review status: no classification provided. Collection method: in vitro. Allele origin: not applicable. Functional consequence: function_uncertain_variant.
ClinVar note: "not provided" was previously submitted as the classification for the variant. However, the classification appeared to be based only on an observation of functional data so it was converted to no classification on 2025-07-30.